The following is an entry in ClinVar:

ClinVar aggregate classification (germline): Uncertain significance. Review status: criteria provided, multiple submitters, no conflicts (2 of 4 stars). 3 submissions from 3 submitters: Uncertain significance (3). Last evaluated 2026-09-01.

Conditions:
SCLT1-related disorder. Also called: SCLT1-related condition.

Allele frequency attached by ClinVar (database versions not stated): TOPMed below 0.00001; gnomAD exomes 0.00001 and 0.00002; ExAC 0.00002; gnomAD 0.00003.
gnomAD v4.1: 25 of 1,529,678 alleles (0.0016%); highest among the groups gnomAD compares: Admixed American, 0.0034%; no homozygotes.

Submissions (3):

PreventionGenetics, part of Exact Sciences
Classification: Uncertain significance for SCLT1-related condition. Last evaluated: 2026-09-01. Review status: criteria provided, single submitter. Criteria: ACMG Guidelines, 2015. Collection method: clinical testing. Allele origin: germline.
Comment: The SCLT1 c.777+3A>G variant is predicted to interfere with splicing. To our knowledge, this variant has not been reported in the literature. This variant is reported in 0.0031% of alleles in individuals of European (Non-Finnish) descent in gnomAD. At this time, the clinical significance of this variant is uncertain due to the absence of conclusive functional and genetic evidence.

Labcorp Genetics (formerly Invitae), Labcorp
Classification: Uncertain significance. Last evaluated: 2022-09-25. Review status: criteria provided, single submitter. Criteria: Invitae Variant Classification Sherloc (09022015). Collection method: clinical testing. Allele origin: germline.
Comment: This sequence change falls in intron 10 of the SCLT1 gene. It does not directly change the encoded amino acid sequence of the SCLT1 protein. It affects a nucleotide within the consensus splice site. This variant is present in population databases (rs758119135, gnomAD 0.004%). This variant has not been reported in the literature in individuals affected with SCLT1-related conditions. ClinVar contains an entry for this variant (Variation ID: 1355879). Variants that disrupt the consensus splice site are a relatively common cause of aberrant splicing (PMID: 17576681, 9536098). Algorithms developed to predict the effect of sequence changes on RNA splicing suggest that this variant may disrupt the consensus splice site. In summary, the available evidence is currently insufficient to determine the role of this variant in disease. Therefore, it has been classified as a Variant of Uncertain Significance.

Blueprint Genetics
Classification: Uncertain significance. Last evaluated: 2022-08-24. Review status: criteria provided, single submitter. Criteria: ACMG Guidelines, 2015. Collection method: clinical testing. Allele origin: germline.

Literature cited by the submitters: PubMed 17576681 (cited by Labcorp Genetics (formerly Invitae), Labcorp); PubMed 9536098 (cited by Labcorp Genetics (formerly Invitae), Labcorp).

NM_144643.4(SCLT1):c.777+3A>G

Gene: SCLT1 (sodium channel and clathrin linker 1; minus strand). Cytogenetic location: 4q28.2.
Variant type: single nucleotide variant.
Coding change: c.777+3A>G on transcript NM_144643.4 (MANE Select); 3 bases into the intron after coding-DNA position 777, A replaced by G.
Molecular consequence: intron variant.
Genome position (GRCh38, 1-based): chr4:128,970,375, T>C on the plus strand (A>G on the coding strand, the complement: SCLT1 is on the minus strand). VCF-style: chr4-128970375-T-C. GRCh37 (hg19) VCF-style: chr4-129891530-T-C.
Other names: c.777+3A>G (NM_144643.3).
Identifiers: ClinVar variation 1355879 (VCV001355879.5), dbSNP rs758119135, ClinGen allele CA3079825.